The following is an entry in ClinVar:

ClinVar aggregate classification (germline): Uncertain significance (1 of 4 stars; one submission).

Submission:

GeneDx
Classification: Uncertain significance. Last evaluated: 2022-11-23. Review status: criteria provided, single submitter. Criteria: GeneDx Variant Classification Process June 2021. Collection method: clinical testing. Allele origin: germline. Affected: yes.
Comment: Not observed at significant frequency in large population cohorts (gnomAD); In silico analysis supports that this missense variant has a deleterious effect on protein structure/function; Has not been previously published as pathogenic or benign to our knowledge

NM_001085458.2(CTNND1):c.7G>T (p.Asp3Tyr)

Genes: CTNND1 (catenin delta 1; plus strand), TMX2-CTNND1 (TMX2-CTNND1 readthrough (NMD candidate); plus strand). Cytogenetic location: 11q12.1.
Variant type: single nucleotide variant.
Coding change: c.7G>T on transcript NM_001085458.2 (MANE Select); coding-DNA position 7, G replaced by T.
Protein change: p.Asp3Tyr; replaces aspartic acid 3 with tyrosine.
Molecular consequence: missense variant. On other transcripts: non-coding transcript variant (1), intron variant (15).
Genome position (GRCh38, 1-based): chr11:57,791,485, G>T. VCF-style: chr11-57791485-G-T. GRCh37 (hg19) VCF-style: chr11-57558957-G-T.
Other names: c.7G>T, p.Asp3Tyr (NM_001085459.2, NM_001085460.2, NM_001085461.2 and 3 more transcripts); c.-147-9G>T (NM_001206891.2, NM_001206889.2, NM_001206883.2 and 4 more transcripts); c.-108-2525G>T (NM_001085467.2, NM_001206890.2, NM_001085463.2 and 4 more transcripts); c.-36-4092G>T (NM_001085469.2); short protein forms D3Y.
Identifiers: ClinVar variation 2503288 (VCV002503288.1), dbSNP rs890759549, ClinGen allele CA380722513.